The following is an entry in ClinVar:

ClinVar aggregate classification (germline): Uncertain significance. Review status: criteria provided, multiple submitters, no conflicts (2 of 4 stars). 3 submissions from 3 submitters: Uncertain significance (3). Last evaluated 2026-06-23.

Conditions:
Long QT syndrome (LQTS). Identifiers: MedGen C0023976, MeSH D008133, MONDO:0002442. Disease mechanism: loss of function. Inheritance: Various modes of inheritance.
Cardiovascular phenotype. Identifiers: MedGen CN230736.

Allele frequency attached by ClinVar (database versions not stated): TOPMed 0.00002; gnomAD 0.00001.
gnomAD v4.1: 33 of 1,572,940 alleles (0.0021%); highest among the groups gnomAD compares: Non-Finnish European, 0.0028%; no homozygotes.

Submissions (3):

Ambry Genetics
Classification: Uncertain significance for Cardiovascular phenotype. Last evaluated: 2026-06-23. Review status: criteria provided, single submitter. Criteria: Ambry Variant Classification Scheme 2023. Collection method: clinical testing. Allele origin: germline.

Labcorp Genetics (formerly Invitae), Labcorp
Classification: Uncertain significance for Long QT syndrome. Last evaluated: 2025-10-29. Review status: criteria provided, single submitter. Criteria: Invitae Variant Classification Sherloc (09022015). Collection method: clinical testing. Allele origin: germline.
Comment: This sequence change replaces alanine, which is neutral and non-polar, with glutamic acid, which is acidic and polar, at codon 1587 of the CACNA1C protein (p.Ala1587Glu). This variant is not present in population databases (gnomAD no frequency). This variant has not been reported in the literature in individuals affected with CACNA1C-related conditions. ClinVar contains an entry for this variant (Variation ID: 1742900). Invitae Evidence Modeling of protein sequence and biophysical properties (such as structural, functional, and spatial information, amino acid conservation, physicochemical variation, residue mobility, and thermodynamic stability) has been performed for this missense variant. However, the output from this modeling did not meet the statistical confidence thresholds required to predict the impact of this variant on CACNA1C protein function. In summary, the available evidence is currently insufficient to determine the role of this variant in disease. Therefore, it has been classified as a Variant of Uncertain Significance.

GeneDx
Classification: Uncertain significance. Last evaluated: 2023-09-11. Review status: criteria provided, single submitter. Criteria: GeneDx Variant Classification Process June 2021. Collection method: clinical testing. Allele origin: germline. Affected: yes.
Comment: Not observed at significant frequency in large population cohorts (gnomAD); In silico analysis supports that this missense variant has a deleterious effect on protein structure/function; Has not been previously published as pathogenic or benign to our knowledge

NM_000719.7(CACNA1C):c.4760C>A (p.Ala1587Glu)

Gene: CACNA1C (calcium voltage-gated channel subunit alpha1 C; plus strand). Cytogenetic location: 12p13.33.
Variant type: single nucleotide variant.
Coding change: c.4760C>A on transcript NM_000719.7 (MANE Select); coding-DNA position 4760, C replaced by A.
Protein change: p.Ala1587Glu; replaces alanine 1587 with glutamic acid.
Molecular consequence: missense variant.
Genome position (GRCh38, 1-based): chr12:2,674,574, C>A. VCF-style: chr12-2674574-C-A. GRCh37 (hg19) VCF-style: chr12-2783740-C-A.
Other names: c.4904C>A, p.Ala1635Glu (NM_001129827.2, NM_199460.4); c.4883C>A, p.Ala1628Glu (NM_001129829.2); c.4760C>A, p.Ala1587Glu (NM_001129830.3, NM_001129840.2, NM_001129841.2 and 4 more transcripts); c.4844C>A, p.Ala1615Glu (NM_001129831.2); c.4820C>A, p.Ala1607Glu (NM_001129832.2); c.4817C>A, p.Ala1606Glu (NM_001129833.2, NM_001129834.2, NM_001129835.2); c.4811C>A, p.Ala1604Glu (NM_001129836.2); c.4784C>A, p.Ala1595Glu (NM_001129837.2, NM_001129838.2); and 3 more; short protein forms A1576E, A1615E, A1628E, A1604E, A1607E, A1584E, A1593E, A1587E.
Identifiers: ClinVar variation 1742900 (VCV001742900.7), dbSNP rs751224055, ClinGen allele CA383377721.